The following is an entry in ClinVar:

ClinVar aggregate classification (germline): Uncertain significance (1 of 4 stars; one submission).

Submission:

GeneDx
Classification: Uncertain significance. Last evaluated: 2024-01-13. Review status: criteria provided, single submitter. Criteria: GeneDx Variant Classification Process June 2021. Collection method: clinical testing. Allele origin: germline. Affected: yes.
Comment: Has not been previously published as pathogenic or benign to our knowledge; Not observed at significant frequency in large population cohorts (gnomAD); In silico analysis supports that this missense variant does not alter protein structure/function

NM_001203.3(BMPR1B):c.1357T>C (p.Phe453Leu)

Gene: BMPR1B (bone morphogenetic protein receptor type 1B; plus strand). Cytogenetic location: 4q22.3.
Variant type: single nucleotide variant.
Coding change: c.1357T>C on transcript NM_001203.3 (MANE Select); coding-DNA position 1357, T replaced by C.
Protein change: p.Phe453Leu; replaces phenylalanine 453 with leucine.
Molecular consequence: missense variant.
Genome position (GRCh38, 1-based): chr4:95,152,747, T>C. VCF-style: chr4-95152747-T-C. GRCh37 (hg19) VCF-style: chr4-96073898-T-C.
Other names: c.1357T>C, p.Phe453Leu (NM_001256792.2, NM_001256794.1); c.1447T>C, p.Phe483Leu (NM_001256793.2); short protein forms F453L, F483L.
Identifiers: ClinVar variation 3367826 (VCV003367826.1).